The following is an entry in ClinVar:

ClinVar aggregate classification (germline): Uncertain significance (1 of 4 stars; one submission).

Allele frequency attached by ClinVar (database versions not stated): ExAC 0.00001.
gnomAD v4.1: 18 of 1,614,182 alleles (0.0011%); highest among the groups gnomAD compares: East Asian, 0.02%; no homozygotes.

Submission:

Labcorp Genetics (formerly Invitae), Labcorp
Classification: Uncertain significance. Last evaluated: 2024-01-29. Review status: criteria provided, single submitter. Criteria: Invitae Variant Classification Sherloc (09022015). Collection method: clinical testing. Allele origin: germline.
Comment: This sequence change replaces proline, which is neutral and non-polar, with alanine, which is neutral and non-polar, at codon 278 of the SRCAP protein (p.Pro278Ala). This variant is present in population databases (rs773727840, gnomAD 0.01%). This variant has not been reported in the literature in individuals affected with SRCAP-related conditions. ClinVar contains an entry for this variant (Variation ID: 1373584). Advanced modeling of protein sequence and biophysical properties (such as structural, functional, and spatial information, amino acid conservation, physicochemical variation, residue mobility, and thermodynamic stability) performed at Invitae indicates that this missense variant is not expected to disrupt SRCAP protein function with a negative predictive value of 80%. In summary, the available evidence is currently insufficient to determine the role of this variant in disease. Therefore, it has been classified as a Variant of Uncertain Significance.

NM_006662.3(SRCAP):c.832C>G (p.Pro278Ala)

Gene: SRCAP (Snf2 related CREBBP activator protein; plus strand). Cytogenetic location: 16p11.2.
Variant type: single nucleotide variant.
Coding change: c.832C>G on transcript NM_006662.3 (MANE Select); coding-DNA position 832, C replaced by G.
Protein change: p.Pro278Ala; replaces proline 278 with alanine.
Molecular consequence: missense variant.
Genome position (GRCh38, 1-based): chr16:30,709,711, C>G. VCF-style: chr16-30709711-C-G. GRCh37 (hg19) VCF-style: chr16-30721032-C-G.
Other names: short protein forms P278A.
Identifiers: ClinVar variation 1373584 (VCV001373584.6), dbSNP rs773727840, ClinGen allele CA8010762.